The following is an entry in ClinVar:

NM_001113378.2(FANCI):c.560C>G (p.Thr187Ser)

Gene: FANCI (FA complementation group I; plus strand). Cytogenetic location: 15q26.1.
Variant type: single nucleotide variant.
Coding change: c.560C>G on transcript NM_001113378.2 (MANE Select); coding-DNA position 560, C replaced by G.
Protein change: p.Thr187Ser; replaces threonine 187 with serine.
Molecular consequence: missense variant.
Genome position (GRCh38, 1-based): chr15:89,263,917, C>G. VCF-style: chr15-89263917-C-G. GRCh37 (hg19) VCF-style: chr15-89807148-C-G.
Other names: c.281C>G, p.Thr94Ser (NM_001376910.1); c.560C>G, p.Thr187Ser (NM_001376911.1, NM_018193.3); short protein forms T187S, T94S.
Identifiers: ClinVar variation 2886260 (VCV002886260.3), dbSNP rs2505968471, ClinGen allele CA393738898.

ClinVar aggregate classification (germline): Uncertain significance (1 of 4 stars; one submission).

Conditions:
Fanconi anemia (FA). Also called: Fanconi's anemia. Identifiers: Orphanet 84, MedGen C0015625, MeSH D005199, MONDO:0019391.

Allele frequency attached by ClinVar (database versions not stated): gnomAD exomes below 0.00001.
gnomAD v4.1: 1 of 1,614,128 alleles (0.000062%); highest among the groups gnomAD compares: Non-Finnish European, 0.000085%; no homozygotes.

Submission:

Labcorp Genetics (formerly Invitae), Labcorp
Classification: Uncertain significance for Fanconi anemia. Last evaluated: 2023-05-11. Review status: criteria provided, single submitter. Criteria: Invitae Variant Classification Sherloc (09022015). Collection method: clinical testing. Allele origin: germline.
Comment: In summary, the available evidence is currently insufficient to determine the role of this variant in disease. Therefore, it has been classified as a Variant of Uncertain Significance. Algorithms developed to predict the effect of sequence changes on RNA splicing suggest that this variant may disrupt the consensus splice site. Advanced modeling of protein sequence and biophysical properties (such as structural, functional, and spatial information, amino acid conservation, physicochemical variation, residue mobility, and thermodynamic stability) performed at Invitae indicates that this missense variant is not expected to disrupt FANCI protein function. This variant has not been reported in the literature in individuals affected with FANCI-related conditions. This variant is not present in population databases (gnomAD no frequency). This sequence change replaces threonine, which is neutral and polar, with serine, which is neutral and polar, at codon 187 of the FANCI protein (p.Thr187Ser).